The following is an entry in ClinVar:

ClinVar aggregate classification (germline): Pathogenic. Review status: criteria provided, multiple submitters, no conflicts (2 of 4 stars). 2 submissions from 2 submitters: Pathogenic (2). Last evaluated 2025-04-23.

Conditions:
Wolcott-Rallison dysplasia. Also called: MED-IDDM SYNDROME; Wolcott-Rallison syndrome. Identifiers: Orphanet 1667, MedGen C0432217, MONDO:0009192, OMIM 226980.

Submissions (2):

Labcorp Genetics (formerly Invitae), Labcorp
Classification: Pathogenic. Last evaluated: 2025-04-23. Review status: criteria provided, single submitter. Criteria: Invitae Variant Classification Sherloc (09022015). Collection method: clinical testing. Allele origin: germline.
Comment: This sequence change creates a premature translational stop signal (p.Trp522Glufs*34) in the EIF2AK3 gene. It is expected to result in an absent or disrupted protein product. Loss-of-function variants in EIF2AK3 are known to be pathogenic (PMID: 11997520). This variant is not present in population databases (gnomAD no frequency). This variant has not been reported in the literature in individuals affected with EIF2AK3-related conditions. ClinVar contains an entry for this variant (Variation ID: 210932). For these reasons, this variant has been classified as Pathogenic.

Genetic Services Laboratory, University of Chicago
Classification: Pathogenic for Wolcott-Rallison syndrome. Last evaluated: 2014-11-18. Review status: criteria provided, single submitter. Criteria: ACMG Guidelines, 2015. Collection method: clinical testing. Allele origin: germline. Affected: yes.

Literature cited by the submitters: PubMed 11997520 (cited by Labcorp Genetics (formerly Invitae), Labcorp).

NM_004836.7(EIF2AK3):c.1564_1565del (p.Trp522fs)

Gene: EIF2AK3 (eukaryotic translation initiation factor 2 alpha kinase 3; minus strand). Cytogenetic location: 2p11.2.
Variant type: Deletion.
Coding change: c.1564_1565del on transcript NM_004836.7 (MANE Select); coding-DNA positions 1564 to 1565, 2 bases deleted (TG; older notation c.1564_1565delTG).
Protein change: p.Trp522fs; shifts the reading frame from tryptophan 522.
Molecular consequence: frameshift variant.
Genome position (GRCh38, 1-based): chr2:88,585,926-88,585,927, CA deleted on the plus strand (TG on the coding strand, the reverse complement: EIF2AK3 is on the minus strand); deleting any 2 consecutive bases within chr2:88,585,926-88,585,928 gives the same sequence; the c. name uses the placement nearest the transcript's 3' end. VCF-style (leftmost placement, unchanged base first): chr2-88585925-CCA-C. GRCh37 (hg19) VCF-style: chr2-88885443-CCA-C.
Other names: c.1111_1112del, p.Trp371fs (NM_001313915.2); short protein forms W522fs, W371fs.
Identifiers: ClinVar variation 210932 (VCV000210932.10), dbSNP rs797045558, ClinGen allele CA207080.